The following is an entry in ClinVar:

NM_014003.4(DHX38):c.687G>C (p.Gln229His)

Gene: DHX38 (DEAH-box helicase 38; plus strand). Cytogenetic location: 16q22.2.
Variant type: single nucleotide variant.
Coding change: c.687G>C on transcript NM_014003.4 (MANE Select); coding-DNA position 687, G replaced by C.
Protein change: p.Gln229His; replaces glutamine 229 with histidine.
Molecular consequence: missense variant.
Genome position (GRCh38, 1-based): chr16:72,098,715, G>C. VCF-style: chr16-72098715-G-C. GRCh37 (hg19) VCF-style: chr16-72132614-G-C.
Other names: short protein forms Q229H.
Identifiers: ClinVar variation 939036 (VCV000939036.1), dbSNP rs765427167, ClinGen allele CA396702734.

ClinVar aggregate classification (germline): Uncertain significance (1 of 4 stars; one submission).

Submission:

Labcorp Genetics (formerly Invitae), Labcorp
Classification: Uncertain significance. Last evaluated: 2019-09-03. Review status: criteria provided, single submitter. Criteria: Invitae Variant Classification Sherloc (09022015). Collection method: clinical testing. Allele origin: germline.
Comment: This sequence change replaces glutamine with histidine at codon 229 of the DHX38 protein (p.Gln229His). The glutamine residue is highly conserved and there is a small physicochemical difference between glutamine and histidine. This variant is not present in population databases (ExAC no frequency). This variant has not been reported in the literature in individuals with DHX38-related conditions. Algorithms developed to predict the effect of missense changes on protein structure and function (SIFT, PolyPhen-2, Align-GVGD) all suggest that this variant is likely to be tolerated, but these predictions have not been confirmed by published functional studies and their clinical significance is uncertain. In summary, the available evidence is currently insufficient to determine the role of this variant in disease. Therefore, it has been classified as a Variant of Uncertain Significance.